The following is an entry in ClinVar:

ClinVar aggregate classification (germline): Uncertain significance (1 of 4 stars; one submission).

Submission:

Labcorp Genetics (formerly Invitae), Labcorp
Classification: Uncertain significance. Last evaluated: 2022-07-19. Review status: criteria provided, single submitter. Criteria: Invitae Variant Classification Sherloc (09022015). Collection method: clinical testing. Allele origin: germline.
Comment: In summary, the available evidence is currently insufficient to determine the role of this variant in disease. Therefore, it has been classified as a Variant of Uncertain Significance. Algorithms developed to predict the effect of missense changes on protein structure and function (SIFT, PolyPhen-2, Align-GVGD) all suggest that this variant is likely to be tolerated. ClinVar contains an entry for this variant (Variation ID: 1486365). This variant has not been reported in the literature in individuals affected with C1QA-related conditions. This variant is not present in population databases (gnomAD no frequency). This sequence change replaces lysine, which is basic and polar, with glutamic acid, which is acidic and polar, at codon 219 of the C1QA protein (p.Lys219Glu).

NM_015991.4(C1QA):c.655A>G (p.Lys219Glu)

Gene: C1QA (complement C1q A chain; plus strand). Cytogenetic location: 1p36.12.
Variant type: single nucleotide variant.
Coding change: c.655A>G on transcript NM_015991.4 (MANE Select); coding-DNA position 655, A replaced by G.
Protein change: p.Lys219Glu; replaces lysine 219 with glutamic acid.
Molecular consequence: missense variant.
Genome position (GRCh38, 1-based): chr1:22,639,324, A>G. VCF-style: chr1-22639324-A-G. GRCh37 (hg19) VCF-style: chr1-22965817-A-G.
Other names: c.655A>G, p.Lys219Glu (NM_001347465.2, NM_001347466.2); short protein forms K219E.
Identifiers: ClinVar variation 1486365 (VCV001486365.6), dbSNP rs2148291410, ClinGen allele CA338930957.